The following is an entry in ClinVar:

NM_002180.3(IGHMBP2):c.1432G>A (p.Val478Met)

Gene: IGHMBP2 (immunoglobulin mu DNA binding protein 2; plus strand). Cytogenetic location: 11q13.3.
Variant type: single nucleotide variant.
Coding change: c.1432G>A on transcript NM_002180.3 (MANE Select); coding-DNA position 1432, G replaced by A.
Protein change: p.Val478Met; replaces valine 478 with methionine.
Molecular consequence: missense variant.
Genome position (GRCh38, 1-based): chr11:68,933,808, G>A. VCF-style: chr11-68933808-G-A. GRCh37 (hg19) VCF-style: chr11-68701276-G-A.
Other names: short protein forms V478M.
Identifiers: ClinVar variation 1202508 (VCV001202508.8), dbSNP rs2154008642, ClinGen allele CA381649657.

ClinVar aggregate classification (germline): Conflicting classifications of pathogenicity. Review status: criteria provided, conflicting classifications (1 of 4 stars). 2 submissions from 2 submitters: Likely pathogenic (1); Uncertain significance (1). Last evaluated 2023-01-14.

Conditions:
Autosomal recessive distal spinal muscular atrophy 1. Also called: HMN VI; NEURONOPATHY, SEVERE INFANTILE AXONAL, WITH RESPIRATORY FAILURE; NEURONOPATHY, DISTAL HEREDITARY MOTOR, HARDING TYPE VI; NEUROPATHY, DISTAL HEREDITARY MOTOR, AUTOSOMAL RECESSIVE 1; SEVERE INFANTILE AXONAL NEUROPATHY WITH RESPIRATORY FAILURE; SPINAL MUSCULAR ATROPHY, DIAPHRAGMATIC. Identifiers: Orphanet 98920, MedGen C1858517, MONDO:0011436, OMIM 604320.
Charcot-Marie-Tooth disease axonal type 2S. Also called: CHARCOT-MARIE-TOOTH DISEASE, AXONAL, AUTOSOMAL RECESSIVE, TYPE 2S; CHARCOT-MARIE-TOOTH NEUROPATHY, TYPE 2S. Identifiers: Orphanet 443073, MedGen C4015349, MONDO:0014511, OMIM 616155.

gnomAD v4.1: 1 of 1,612,450 alleles (0.000062%); highest among the groups gnomAD compares: Non-Finnish European, 0.000085%; no homozygotes.

Submissions (2):

Labcorp Genetics (formerly Invitae), Labcorp
Classification: Uncertain significance for Autosomal recessive distal spinal muscular atrophy 1; Charcot-Marie-Tooth disease axonal type 2S. Last evaluated: 2023-01-14. Review status: criteria provided, single submitter. Criteria: Invitae Variant Classification Sherloc (09022015). Collection method: clinical testing. Allele origin: germline.
Comment: In summary, the available evidence is currently insufficient to determine the role of this variant in disease. Therefore, it has been classified as a Variant of Uncertain Significance. Advanced modeling of protein sequence and biophysical properties (such as structural, functional, and spatial information, amino acid conservation, physicochemical variation, residue mobility, and thermodynamic stability) has been performed at Invitae for this missense variant, however the output from this modeling did not meet the statistical confidence thresholds required to predict the impact of this variant on IGHMBP2 protein function. ClinVar contains an entry for this variant (Variation ID: 1202508). This variant has not been reported in the literature in individuals affected with IGHMBP2-related conditions. This variant is not present in population databases (gnomAD no frequency). This sequence change replaces valine, which is neutral and non-polar, with methionine, which is neutral and non-polar, at codon 478 of the IGHMBP2 protein (p.Val478Met).

GeneDx
Classification: Likely pathogenic. Last evaluated: 2021-10-18. Review status: criteria provided, single submitter. Criteria: GeneDx Variant Classification Process June 2021. Collection method: clinical testing. Allele origin: germline. Affected: yes.
Comment: Not observed large population cohorts (Lek et al., 2016); In silico analysis supports that this missense variant does not alter protein structure/function; Has not been previously published as pathogenic or benign to our knowledge